The following is an entry in ClinVar:

NM_001242896.3(DEPDC5):c.1246T>C (p.Cys416Arg)

Gene: DEPDC5 (DEP domain containing 5, GATOR1 subcomplex subunit; plus strand). Cytogenetic location: 22q12.3.
Variant type: single nucleotide variant.
Coding change: c.1246T>C on transcript NM_001242896.3 (MANE Select); coding-DNA position 1246, T replaced by C.
Protein change: p.Cys416Arg; replaces cysteine 416 with arginine.
Molecular consequence: missense variant. On other transcripts: non-coding transcript variant (5).
Genome position (GRCh38, 1-based): chr22:31,806,150, T>C. VCF-style: chr22-31806150-T-C. GRCh37 (hg19) VCF-style: chr22-32202136-T-C.
Other names: c.1246T>C, p.Cys416Arg (NM_001007188.4, NM_001136029.4, NM_001242897.2 and 7 more transcripts); c.1162T>C, p.Cys388Arg (NM_001369901.1, NM_001369902.1); short protein forms C416R, C388R.
Identifiers: ClinVar variation 590194 (VCV000590194.5), dbSNP rs1568962734, ClinGen allele CA411276381.

ClinVar aggregate classification (germline): Uncertain significance (1 of 4 stars; one submission).

Conditions:
Inborn genetic diseases. Identifiers: MedGen C0950123, MeSH D030342.

gnomAD v4.1: 1 of 1,614,078 alleles (0.000062%); no homozygotes.

Submission:

Ambry Genetics
Classification: Uncertain significance for Inborn genetic diseases. Last evaluated: 2016-03-03. Review status: criteria provided, single submitter. Criteria: Ambry Variant Classification Scheme 2023. Collection method: clinical testing. Allele origin: germline.
Comment: The p.C416R variant (also known as c.1246T>C), located in coding exon 17 of the DEPDC5 gene, results from a T to C substitution at nucleotide position 1246. The cysteine at codon 416 is replaced by arginine, an amino acid with highly dissimilar properties. This variant was not reported in population based cohorts in the following databases: Database of Single Nucleotide Polymorphisms (dbSNP), NHLBI Exome Sequencing Project (ESP), and 1000 Genomes Project. In the ESP, this variant was not observed in 5883 samples (11766 alleles) with coverage at this position. This amino acid position is highly conserved in available vertebrate species. In addition, the in silico prediction for this alteration is inconclusive. Since supporting evidence is limited at this time, the clinical significance of this variant remains unclear.